The following is an entry in ClinVar:

ClinVar aggregate classification (germline): Benign (0 of 4 stars; one submission).

Conditions:
LRRIQ3-related disorder. Also called: LRRIQ3-related condition.

Allele frequency attached by ClinVar (database versions not stated): 1000 Genomes Project 0.01518; 1000 Genomes Project 30x 0.01546; TOPMed 0.03089; gnomAD 0.03118; ExAC 0.03455; ESP Exome Variant Server 0.03799; gnomAD exomes 0.04174.

Submission:

PreventionGenetics, part of Exact Sciences
Classification: Benign for LRRIQ3-related condition. Last evaluated: 2020-02-24. Review status: no assertion criteria provided. Collection method: clinical testing. Allele origin: germline.
Comment: This variant is classified as benign based on ACMG/AMP sequence variant interpretation guidelines (Richards et al. 2015 PMID: 25741868, with internal and published modifications).

NM_001105659.2(LRRIQ3):c.466C>T (p.His156Tyr)

Gene: LRRIQ3 (leucine rich repeats and IQ motif containing 3; minus strand). Cytogenetic location: 1p31.1.
Variant type: single nucleotide variant.
Coding change: c.466C>T on transcript NM_001105659.2 (MANE Select); coding-DNA position 466, C replaced by T.
Protein change: p.His156Tyr; replaces histidine 156 with tyrosine.
Molecular consequence: missense variant.
Genome position (GRCh38, 1-based): chr1:74,182,645, G>A on the plus strand (C>T on the coding strand, the complement: LRRIQ3 is on the minus strand). VCF-style: chr1-74182645-G-A. GRCh37 (hg19) VCF-style: chr1-74648329-G-A.
Other names: c.466C>T, p.His156Tyr (NM_001322315.2); short protein forms H156Y.
Identifiers: ClinVar variation 3037245 (VCV003037245.2), dbSNP rs17591320, ClinGen allele CA908075.
Genomic context (GRCh38, chr1:74,182,645, plus strand): 5'-CTTTGAATCTTTCAGGAAGATGCCAGTTCTGAATTATTTCTTCATCAGAAATCACATGAT[G>A]ATCCAGCGCTTTGAGAGGCCATATACTGTTAACAAGAACATGTCTATATCCTTTTTTAAG-3'
Protein context (NP_001099129.1, residues 146-166): NSIWPLKALD[His156Tyr]HVISDEEIIQ